The following is an entry in ClinVar:

ClinVar aggregate classification (germline): Likely pathogenic (1 of 4 stars; one submission).

Submission:

Dasa
Classification: Likely pathogenic. Last evaluated: 2026-01-27. Review status: criteria provided, single submitter. Criteria: DASA Assertion Criteria. Collection method: clinical testing. Allele origin: germline.
Comment: NM_000180.4(GUCY2D):c.2413-2A>C affects a canonical splice site and is predicted to disrupt normal RNA splicing. Loss of function is an established disease mechanism for GUCY2D-associated disorders. Also, this variant is rare in population databases. Based on the currently available evidence, this variant is classified as likely pathogenic.

NM_000180.4(GUCY2D):c.2413-2A>C

Gene: GUCY2D (guanylate cyclase 2D, retinal; plus strand). Cytogenetic location: 17p13.1.
Variant type: single nucleotide variant.
Coding change: c.2413-2A>C on transcript NM_000180.4 (MANE Select); the canonical splice acceptor site of the intron before coding-DNA position 2413, A replaced by C.
Molecular consequence: splice acceptor variant.
Genome position (GRCh38, 1-based): chr17:8,014,599, A>C. VCF-style: chr17-8014599-A-C. GRCh37 (hg19) VCF-style: chr17-7917917-A-C.
Identifiers: ClinVar variation 4884174 (VCV004884174.2).